The following is an entry in ClinVar:

ClinVar aggregate classification (germline): Uncertain significance. Review status: criteria provided, multiple submitters, no conflicts (2 of 4 stars). 3 submissions from 3 submitters: Uncertain significance (2). 1 of the submissions does not count toward it. Last evaluated 2025-12-01.

Conditions:
RYR1-related disorder. Also called: RYR1-related condition; RYR1-related disorders. Identifiers: MedGen CN239331.
Congenital myopathy with fiber type disproportion. Also called: Congenital fiber-type disproportion myopathy; Congenital fiber-type disproportion. Identifiers: Orphanet 2020, MedGen C0546264, MONDO:0009711. Inheritance: all.

gnomAD v4.1: 7 of 1,614,216 alleles (0.00043%); highest among the groups gnomAD compares: Non-Finnish European, 0.00051%; no homozygotes.

Submissions (3):

Labcorp Genetics (formerly Invitae), Labcorp
Classification: Uncertain significance for RYR1-related disorder. Last evaluated: 2025-12-01. Review status: criteria provided, single submitter. Criteria: Invitae Variant Classification Sherloc (09022015). Collection method: clinical testing. Allele origin: germline.
Comment: This sequence change replaces asparagine, which is neutral and polar, with lysine, which is basic and polar, at codon 3326 of the RYR1 protein (p.Asn3326Lys). This variant is not present in population databases (gnomAD no frequency). This missense change has been observed in individual(s) with congenital myopathy with fiber-type disproportion (PMID: 20583297). In at least one individual the data is consistent with being in trans (on the opposite chromosome) from a pathogenic variant. ClinVar contains an entry for this variant (Variation ID: 42105). Invitae Evidence Modeling of protein sequence and biophysical properties (such as structural, functional, and spatial information, amino acid conservation, physicochemical variation, residue mobility, and thermodynamic stability) indicates that this missense variant is not expected to disrupt RYR1 protein function with a negative predictive value of 80%. In summary, the available evidence is currently insufficient to determine the role of this variant in disease. Therefore, it has been classified as a Variant of Uncertain Significance.

Women's Health and Genetics/Laboratory Corporation of America, LabCorp
Classification: Uncertain significance. Last evaluated: 2025-08-01. Review status: criteria provided, single submitter. Criteria: LabCorp Variant Classification Summary - May 2015. Collection method: clinical testing. Allele origin: germline.
Comment: Variant summary: RYR1 c.9978C>A (p.Asn3326Lys) results in a non-conservative amino acid change in the encoded protein sequence. Algorithms developed to predict the effect of missense changes on protein structure and function all suggest that this variant is likely to be disruptive. The variant was absent in 249032 control chromosomes. The available data on variant occurrences in the general population are insufficient to allow any conclusion about variant significance. c.9978C>A has been observed in at least one individual affected with Congenital Multicore Myopathy With External Ophthalmoplegia (Clarke_2010). These data do not allow any conclusion about variant significance. To our knowledge, no experimental evidence demonstrating an impact on protein function has been reported. The following publication has been ascertained in the context of this evaluation (PMID: 20583297). ClinVar contains an entry for this variant (Variation ID: 42105). Based on the evidence outlined above, the variant was classified as uncertain significance.

GeneReviews
No classification provided. Condition: Congenital myopathy with fiber type disproportion. Review status: no classification provided. Collection method: literature only. Allele origin: unknown. Not counted in ClinVar's aggregate classification.

Literature cited by the submitters: PubMed 20583297 (cited by 3 submitters); PubMed 20301436 (cited by GeneReviews); NCBI Bookshelf NBK1259 (cited by GeneReviews).

NM_000540.3(RYR1):c.9978C>A (p.Asn3326Lys)

Gene: RYR1 (ryanodine receptor 1; plus strand). Cytogenetic location: 19q13.2.
Variant type: single nucleotide variant.
Coding change: c.9978C>A on transcript NM_000540.3 (MANE Select); coding-DNA position 9978, C replaced by A.
Protein change: p.Asn3326Lys; replaces asparagine 3326 with lysine.
Molecular consequence: missense variant.
Genome position (GRCh38, 1-based): chr19:38,517,651, C>A. VCF-style: chr19-38517651-C-A. GRCh37 (hg19) VCF-style: chr19-39008291-C-A.
Other names: c.9978C>A, p.Asn3326Lys (NM_001042723.2); short protein forms N3326K.
Identifiers: ClinVar variation 42105 (VCV000042105.14), dbSNP rs367543057, ClinGen allele CA025011.